The following is an entry in ClinVar:

NM_000038.6(APC):c.3393A>G (p.Gln1131=)

Gene: APC (APC regulator of Wnt signaling pathway; plus strand). Cytogenetic location: 5q22.2.
Variant type: single nucleotide variant.
Coding change: c.3393A>G on transcript NM_000038.6 (MANE Select); coding-DNA position 3393, A replaced by G.
Protein change: p.Gln1131=; no amino-acid change (glutamine 1131 retained).
Molecular consequence: synonymous variant.
Genome position (GRCh38, 1-based): chr5:112,838,987, A>G. VCF-style: chr5-112838987-A-G. GRCh37 (hg19) VCF-style: chr5-112174684-A-G.
Other names: c.3393A>G, p.Gln1131= (NM_001127510.3, NM_001354895.2); c.3339A>G, p.Gln1113= (NM_001127511.3); c.3447A>G, p.Gln1149= (NM_001354896.2); c.3423A>G, p.Gln1141= (NM_001354897.2); c.3318A>G, p.Gln1106= (NM_001354898.2); c.3309A>G, p.Gln1103= (NM_001354899.2); c.3270A>G, p.Gln1090= (NM_001354900.2); c.3216A>G, p.Gln1072= (NM_001354901.2); and 5 more.
Identifiers: ClinVar variation 378947 (VCV000378947.19), dbSNP rs545574962, ClinGen allele CA16604746.

ClinVar aggregate classification (germline): Benign/Likely benign. Review status: criteria provided, multiple submitters, no conflicts (2 of 4 stars). 6 submissions from 6 submitters: Benign (1); Likely benign (5). Last evaluated 2025-09-05.

Conditions:
Familial adenomatous polyposis 1 (FAP1). Also called: FAMILIAL ADENOMATOUS POLYPOSIS 1, ATTENUATED; POLYPOSIS, ADENOMATOUS INTESTINAL. Identifiers: MedGen C2713442, MONDO:0021056, OMIM 175100. Disease mechanism: loss of function.
Hereditary cancer-predisposing syndrome. Also called: Tumor predisposition; Neoplastic Syndromes, Hereditary; Hereditary neoplastic syndrome; Hereditary Cancer Syndrome. Identifiers: Orphanet 140162, MedGen C0027672, MeSH D009386, MONDO:0015356.

Allele frequency attached by ClinVar (database versions not stated): gnomAD exomes below 0.00001; gnomAD 0.00001; TOPMed 0.00002.
gnomAD v4.1: 6 of 1,613,986 alleles (0.00037%); highest among the groups gnomAD compares: Non-Finnish European, 0.00051%; no homozygotes.

Submissions (6):

Labcorp Genetics (formerly Invitae), Labcorp
Classification: Likely benign for Familial adenomatous polyposis 1. Last evaluated: 2025-09-05. Review status: criteria provided, single submitter. Criteria: Invitae Variant Classification Sherloc (09022015). Collection method: clinical testing. Allele origin: germline.

Color Diagnostics, LLC DBA Color Health
Classification: Likely benign for Hereditary cancer-predisposing syndrome. Last evaluated: 2024-12-10. Review status: criteria provided, single submitter. Criteria: ACMG Guidelines, 2015. Collection method: clinical testing. Allele origin: germline.

Myriad Genetics, Inc.
Classification: Benign for Familial adenomatous polyposis 1. Last evaluated: 2024-03-18. Review status: criteria provided, single submitter. Criteria: Myriad Autosomal Dominant, Autosomal Recessive and X-Linked Classification Criteria (2023). Collection method: clinical testing. Allele origin: unknown.
Comment: This variant is considered benign. This variant is a silent/synonymous amino acid change and it is not expected to impact splicing.

Blueprint Genetics
Classification: Likely benign. Last evaluated: 2021-05-26. Review status: criteria provided, single submitter. Criteria: ACMG Guidelines, 2015. Collection method: clinical testing. Allele origin: germline.

GeneDx
Classification: Likely benign. Last evaluated: 2019-05-30. Review status: criteria provided, single submitter. Criteria: GeneDx Variant Classification Process June 2021. Collection method: clinical testing. Allele origin: germline. Affected: yes.

Ambry Genetics
Classification: Likely benign for Hereditary cancer-predisposing syndrome. Last evaluated: 2016-06-10. Review status: criteria provided, single submitter. Criteria: Ambry Variant Classification Scheme 2023. Collection method: clinical testing. Allele origin: germline.